The following is an entry in ClinVar:

NM_021008.4(DEAF1):c.517+8G>A

Gene: DEAF1 (DEAF1 transcription factor; minus strand). Cytogenetic location: 11p15.5.
Variant type: single nucleotide variant.
Coding change: c.517+8G>A on transcript NM_021008.4 (MANE Select); 8 bases into the intron after coding-DNA position 517, G replaced by A.
Molecular consequence: intron variant.
Genome position (GRCh38, 1-based): chr11:688,323, C>T on the plus strand (G>A on the coding strand, the complement: DEAF1 is on the minus strand). VCF-style: chr11-688323-C-T. GRCh37 (hg19) VCF-style: chr11-688323-C-T.
Other names: c.-210+8G>A (NM_001367390.1, NM_001440887.1, NM_001440886.1); c.-209-266G>A (NM_001440885.1); c.517+8G>A (NM_001293634.2, NM_001440884.1, NM_001440883.1).
Identifiers: ClinVar variation 1170855 (VCV001170855.33), dbSNP rs369913079, ClinGen allele CA5786526.
Genomic context (GRCh38, chr11:688,323, plus strand): 5'-CCTGAAATAAATTCTAGCTATTCTGAAACGTGTTTTGCCCGAGGCCTGGGGTGCAGGCAC[C>T]GCTGTACCTGGGGTGAGGGGAGCTGCCGGGCCTTTCAGCCCGGTGGTCTCCACGATGCTC-3'

ClinVar aggregate classification (germline): Benign/Likely benign. Review status: criteria provided, multiple submitters, no conflicts (2 of 4 stars). 4 submissions from 4 submitters: Benign (2); Likely benign (2). Last evaluated 2026-01-05.

Conditions:
Intellectual disability. Also called: Intellectual functioning disability; intellectual disabilities; Intellectual developmental disorder. Identifiers: MedGen C3714756, MeSH D008607, MONDO:0001071, HP:0001249.

Allele frequency attached by ClinVar (database versions not stated): 1000 Genomes Project 30x 0.00016; TOPMed 0.00040; gnomAD 0.00048; gnomAD exomes 0.00064; ESP Exome Variant Server 0.00069.

Submissions (4):

Labcorp Genetics (formerly Invitae), Labcorp
Classification: Benign. Last evaluated: 2026-01-05. Review status: criteria provided, single submitter. Criteria: Invitae Variant Classification Sherloc (09022015). Collection method: clinical testing. Allele origin: germline.

CeGaT Center for Human Genetics Tuebingen
Classification: Likely benign. Last evaluated: 2026-01-01. Review status: criteria provided, single submitter. Criteria: CeGaT Center For Human Genetics Tuebingen Variant Classification Criteria Version 2. Collection method: clinical testing. Allele origin: germline. Affected: yes. Observed: 4 variant alleles.
Comment: DEAF1: BP4

Blueprint Genetics
Classification: Likely benign. Last evaluated: 2024-08-16. Review status: criteria provided, single submitter. Criteria: ACMG Guidelines, 2015. Collection method: clinical testing. Allele origin: germline.

Cambridge Genomics Laboratory, East Genomic Laboratory Hub, NHS Genomic Medicine Service
Classification: Benign for Intellectual disability. Last evaluated: 2020-03-05. Review status: criteria provided, single submitter. Criteria: ACGS Best Practice Guidelines for Variant Classification in Rare Disease 2020. Collection method: clinical testing. Allele origin: germline. Affected: yes. Observed: 1 variant allele.